The following is an entry in ClinVar:

ClinVar aggregate classification (germline): Conflicting classifications of pathogenicity. Review status: criteria provided, conflicting classifications (1 of 4 stars). 2 submissions from 2 submitters: Uncertain significance (1); Likely benign (1). Last evaluated 2025-04-17.

Conditions:
Inborn genetic diseases. Identifiers: MedGen C0950123, MeSH D030342.

Allele frequency attached by ClinVar (database versions not stated): ExAC 0.00003; gnomAD 0.00005; ESP Exome Variant Server 0.00008.
gnomAD v4.1: 46 of 1,612,572 alleles (0.0029%); highest among the groups gnomAD compares: African/African-American, 0.016%; no homozygotes.

Submissions (2):

Labcorp Genetics (formerly Invitae), Labcorp
Classification: Uncertain significance. Last evaluated: 2025-04-17. Review status: criteria provided, single submitter. Criteria: Invitae Variant Classification Sherloc (09022015). Collection method: clinical testing. Allele origin: germline.
Comment: This sequence change replaces arginine, which is basic and polar, with histidine, which is basic and polar, at codon 711 of the PCNT protein (p.Arg711His). This variant is present in population databases (rs377552545, gnomAD 0.03%). This variant has not been reported in the literature in individuals affected with PCNT-related conditions. ClinVar contains an entry for this variant (Variation ID: 2138980). An algorithm developed to predict the effect of missense changes on protein structure and function outputs the following: PolyPhen-2: "Possibly Damaging". The histidine amino acid residue is found in multiple mammalian species, which suggests that this missense change does not adversely affect protein function. In summary, the available evidence is currently insufficient to determine the role of this variant in disease. Therefore, it has been classified as a Variant of Uncertain Significance.

Ambry Genetics
Classification: Likely benign for Inborn genetic diseases. Last evaluated: 2023-10-27. Review status: criteria provided, single submitter. Criteria: Ambry Variant Classification Scheme 2023. Collection method: clinical testing. Allele origin: germline.

NM_006031.6(PCNT):c.2132G>A (p.Arg711His)

Gene: PCNT (pericentrin; plus strand). Cytogenetic location: 21q22.3.
Variant type: single nucleotide variant.
Coding change: c.2132G>A on transcript NM_006031.6 (MANE Select); coding-DNA position 2132, G replaced by A.
Protein change: p.Arg711His; replaces arginine 711 with histidine.
Molecular consequence: missense variant.
Genome position (GRCh38, 1-based): chr21:46,357,169, G>A. VCF-style: chr21-46357169-G-A. GRCh37 (hg19) VCF-style: chr21-47777084-G-A.
Other names: c.1778G>A, p.Arg593His (NM_001315529.2); c.2132G>A (NM_006031.5); short protein forms R593H, R711H.
Identifiers: ClinVar variation 2138980 (VCV002138980.3), dbSNP rs377552545, ClinGen allele CA10078883.